The following is an entry in ClinVar:

NM_173573.3(LMNTD2):c.1473T>G (p.Pro491=)

Gene: LMNTD2 (lamin tail domain containing 2; minus strand). Cytogenetic location: 11p15.5.
Variant type: single nucleotide variant.
Coding change: c.1473T>G on transcript NM_173573.3 (MANE Select); coding-DNA position 1473, T replaced by G.
Protein change: p.Pro491=; no amino-acid change (proline 491 retained).
Molecular consequence: synonymous variant.
Genome position (GRCh38, 1-based): chr11:555,835, A>C on the plus strand (T>G on the coding strand, the complement: LMNTD2 is on the minus strand). VCF-style: chr11-555835-A-C. GRCh37 (hg19) VCF-style: chr11-555835-A-C.
Identifiers: ClinVar variation 2641071 (VCV002641071.24), dbSNP rs181920428, ClinGen allele CA5780369.
Genomic context (GRCh38, chr11:555,835, plus strand): 5'-TTTGCGCAGGGGTCGAGGTGGGCGCGGCGGCTTGCGGGTGTCGGCGCCGGGCCCGGCCTC[A>C]GGGAGCGGGAAGCGGTCGATGGACAAGTCGGTGCCGTCGGCGAAGACCCTCGGGGCCGGA-3'
Protein context (NP_775844.2, residues 481-501): TDLSIDRFPL[Pro491=]EAGPGADTRK

ClinVar aggregate classification (germline): Benign (1 of 4 stars; one submission).

Allele frequency attached by ClinVar (database versions not stated): ESP Exome Variant Server 0.00651; ExAC 0.00664; gnomAD exomes 0.00784; 1000 Genomes Project 0.00799; gnomAD 0.00861; 1000 Genomes Project 30x 0.00921; TOPMed 0.00955.

Submission:

CeGaT Center for Human Genetics Tuebingen
Classification: Benign. Last evaluated: 2023-09-01. Review status: criteria provided, single submitter. Criteria: CeGaT Center For Human Genetics Tuebingen Variant Classification Criteria Version 2. Collection method: clinical testing. Allele origin: germline. Affected: yes. Observed: 1 variant allele.
Comment: LMNTD2: BP4, BP7, BS1, BS2